The following is an entry in ClinVar:

ClinVar aggregate classification (germline): Uncertain significance. Review status: criteria provided, multiple submitters, no conflicts (2 of 4 stars). 3 submissions from 3 submitters: Uncertain significance (2). 1 of the submissions does not count toward it. Last evaluated 2024-08-07.

Conditions:
Congenital adrenal hypoplasia, X-linked (AHC). Also called: Isolated X-Linked Adrenal Hypoplasia Congenita; X-linked AHC; X-Linked Adrenal Hypoplasia Congenita; ADRENAL HYPOPLASIA, CONGENITAL, WITH HYPOGONADOTROPIC HYPOGONADISM. Identifiers: Orphanet 95702, MedGen C0342482, MONDO:0010264, OMIM 300200. Disease mechanism: loss of function.
46,XY sex reversal 2. Also called: 46,XY SEX REVERSAL, DAX1-RELATED; NR0B1-Related 46,XY CGD; NR0B1-related 46,XY complete gonadal dysgenesis; 46XY sex reversal 2, dosage-sensitive; Dosage-sensitive sex reversal. Identifiers: MedGen C1848296, MONDO:0010226, OMIM 300018.

Submissions (3):

Labcorp Genetics (formerly Invitae), Labcorp
Classification: Uncertain significance for Congenital adrenal hypoplasia, X-linked; 46,XY sex reversal 2. Last evaluated: 2024-08-07. Review status: criteria provided, single submitter. Criteria: Invitae Variant Classification Sherloc (09022015). Collection method: clinical testing. Allele origin: germline.
Comment: This sequence change replaces leucine, which is neutral and non-polar, with proline, which is neutral and non-polar, at codon 266 of the NR0B1 protein (p.Leu266Pro). This variant is not present in population databases (gnomAD no frequency). This missense change has been observed in individual(s) with adrenal hypoplasia (Invitae). ClinVar contains an entry for this variant (Variation ID: 1184475). Advanced modeling of protein sequence and biophysical properties (such as structural, functional, and spatial information, amino acid conservation, physicochemical variation, residue mobility, and thermodynamic stability) performed at Invitae indicates that this missense variant is expected to disrupt NR0B1 protein function with a positive predictive value of 80%. In summary, the available evidence is currently insufficient to determine the role of this variant in disease. Therefore, it has been classified as a Variant of Uncertain Significance.

Juno Genomics, Hangzhou Juno Genomics, Inc
Classification: Uncertain significance for 46,XY sex reversal 2; Congenital adrenal hypoplasia, X-linked. Review status: criteria provided, single submitter. Criteria: ACMG Guidelines, 2015. Collection method: clinical testing. Allele origin: germline. Affected: yes.
Comment: Absent from controls (or at extremely low frequency if recessive) in Genome Aggregation Database, Exome Sequencing Project, 1000 Genomes Project, or Exome Aggregation Consortium.;Multiple lines of computational evidence support a deleterious effect on the gene or gene product (conservation, evolutionary, splicing impact, etc).

Genomics England Pilot Project, Genomics England
Classification: Likely pathogenic for Congenital adrenal hypoplasia, X-linked. Review status: no assertion criteria provided. Criteria: ACGS Guidelines, 2016. Collection method: clinical testing. Allele origin: germline. Affected: yes. Not counted in ClinVar's aggregate classification.

NM_000475.5(NR0B1):c.797T>C (p.Leu266Pro)

Gene: NR0B1 (nuclear receptor subfamily 0 group B member 1; minus strand). Cytogenetic location: Xp21.2.
Variant type: single nucleotide variant.
Coding change: c.797T>C on transcript NM_000475.5 (MANE Select); coding-DNA position 797, T replaced by C.
Protein change: p.Leu266Pro; replaces leucine 266 with proline.
Molecular consequence: missense variant.
Genome position (GRCh38, 1-based): chrX:30,308,567, A>G on the plus strand (T>C on the coding strand, the complement: NR0B1 is on the minus strand). VCF-style: chrX-30308567-A-G. GRCh37 (hg19) VCF-style: chrX-30326684-A-G.
Other names: short protein forms L266P.
Identifiers: ClinVar variation 1184475 (VCV001184475.6), dbSNP rs2147006592, ClinGen allele CA412547841.